The following is an entry in ClinVar:

NM_020987.5(ANK3):c.4070T>C (p.Ile1357Thr)

Gene: ANK3 (ankyrin 3; minus strand). Cytogenetic location: 10q21.2.
Variant type: single nucleotide variant.
Coding change: c.4070T>C on transcript NM_020987.5 (MANE Select); coding-DNA position 4070, T replaced by C.
Protein change: p.Ile1357Thr; replaces isoleucine 1357 with threonine.
Molecular consequence: missense variant.
Genome position (GRCh38, 1-based): chr10:60,084,606, A>G on the plus strand (T>C on the coding strand, the complement: ANK3 is on the minus strand). VCF-style: chr10-60084606-A-G. GRCh37 (hg19) VCF-style: chr10-61844364-A-G.
Other names: c.4070T>C (NM_020987.3); c.1472T>C, p.Ile491Thr (NM_001149.4); c.4052T>C, p.Ile1351Thr (NM_001204403.2); c.4073T>C, p.Ile1358Thr (NM_001204404.2); c.4070T>C, p.Ile1357Thr (NM_001320874.2); short protein forms I491T, I1351T, I1357T, I1358T.
Identifiers: ClinVar variation 1375307 (VCV001375307.7), dbSNP rs765852674, ClinGen allele CA5512347.

ClinVar aggregate classification (germline): Uncertain significance. Review status: criteria provided, multiple submitters, no conflicts (2 of 4 stars). 2 submissions from 2 submitters: Uncertain significance (2). Last evaluated 2023-12-06.

Conditions:
Inborn genetic diseases. Identifiers: MedGen C0950123, MeSH D030342.

Allele frequency attached by ClinVar (database versions not stated): gnomAD exomes below 0.00001 and 0.00001; TOPMed below 0.00001; ExAC 0.00001; gnomAD 0.00001.
gnomAD v4.1: 16 of 1,613,396 alleles (0.00099%); highest among the groups gnomAD compares: African/African-American, 0.004%; 1 homozygote.

Submissions (2):

Labcorp Genetics (formerly Invitae), Labcorp
Classification: Uncertain significance. Last evaluated: 2023-12-06. Review status: criteria provided, single submitter. Criteria: Invitae Variant Classification Sherloc (09022015). Collection method: clinical testing. Allele origin: germline.
Comment: This sequence change replaces isoleucine with threonine at codon 1357 of the ANK3 protein (p.Ile1357Thr). The isoleucine residue is moderately conserved and there is a moderate physicochemical difference between isoleucine and threonine. This variant is present in population databases (rs765852674, gnomAD 0.002%). This variant has not been reported in the literature in individuals affected with ANK3-related conditions. ClinVar contains an entry for this variant (Variation ID: 1375307). Advanced modeling of protein sequence and biophysical properties (such as structural, functional, and spatial information, amino acid conservation, physicochemical variation, residue mobility, and thermodynamic stability) performed at Invitae indicates that this missense variant is not expected to disrupt ANK3 protein function with a negative predictive value of 80%. In summary, the available evidence is currently insufficient to determine the role of this variant in disease. Therefore, it has been classified as a Variant of Uncertain Significance.

Ambry Genetics
Classification: Uncertain significance for Inborn genetic diseases. Last evaluated: 2022-01-26. Review status: criteria provided, single submitter. Criteria: Ambry Variant Classification Scheme 2023. Collection method: clinical testing. Allele origin: germline.